The following is an entry in ClinVar:

NM_004423.4(DVL3):c.341C>T (p.Pro114Leu)

Gene: DVL3 (dishevelled segment polarity protein 3; plus strand). Cytogenetic location: 3q27.1.
Variant type: single nucleotide variant.
Coding change: c.341C>T on transcript NM_004423.4 (MANE Select); coding-DNA position 341, C replaced by T.
Protein change: p.Pro114Leu; replaces proline 114 with leucine.
Molecular consequence: missense variant.
Genome position (GRCh38, 1-based): chr3:184,164,376, C>T. VCF-style: chr3-184164376-C-T. GRCh37 (hg19) VCF-style: chr3-183882164-C-T.
Other names: short protein forms P114L.
Identifiers: ClinVar variation 2812312 (VCV002812312.3), dbSNP rs1407657976, ClinGen allele CA355403235.

ClinVar aggregate classification (germline): Uncertain significance (1 of 4 stars; one submission).

Allele frequency attached by ClinVar (database versions not stated): gnomAD exomes below 0.00001; TOPMed below 0.00001.
gnomAD v4.1: 1 of 1,613,826 alleles (0.000062%); highest among the groups gnomAD compares: South Asian, 0.0011%; no homozygotes.

Submission:

Labcorp Genetics (formerly Invitae), Labcorp
Classification: Uncertain significance. Last evaluated: 2022-11-16. Review status: criteria provided, single submitter. Criteria: Invitae Variant Classification Sherloc (09022015). Collection method: clinical testing. Allele origin: germline.
Comment: In summary, the available evidence is currently insufficient to determine the role of this variant in disease. Therefore, it has been classified as a Variant of Uncertain Significance. Advanced modeling of protein sequence and biophysical properties (such as structural, functional, and spatial information, amino acid conservation, physicochemical variation, residue mobility, and thermodynamic stability) performed at Invitae indicates that this missense variant is not expected to disrupt DVL3 protein function. This variant has not been reported in the literature in individuals affected with DVL3-related conditions. This variant is present in population databases (no rsID available, gnomAD 0.003%). This sequence change replaces proline, which is neutral and non-polar, with leucine, which is neutral and non-polar, at codon 114 of the DVL3 protein (p.Pro114Leu).